The following is an entry in ClinVar:

NM_152564.5(VPS13B):c.8445+1G>C

Gene: VPS13B (vacuolar protein sorting 13 homolog B; plus strand). Cytogenetic location: 8q22.2.
Variant type: single nucleotide variant.
Coding change: c.8445+1G>C on transcript NM_152564.5 (MANE Select); the canonical splice donor site of the intron after coding-DNA position 8445, G replaced by C.
Molecular consequence: splice donor variant.
Genome position (GRCh38, 1-based): chr8:99,818,535, G>C. VCF-style: chr8-99818535-G-C. GRCh37 (hg19) VCF-style: chr8-100830763-G-C.
Other names: c.8520+1G>C (NM_017890.5).
Identifiers: ClinVar variation 2729448 (VCV002729448.3), dbSNP rs1814176579, ClinGen allele CA371773925.

ClinVar aggregate classification (germline): Likely pathogenic (1 of 4 stars; one submission).

Conditions:
Cohen syndrome (COH1). Also called: Cutis verticis gyrata, retinitis pigmentosa, and sensorineural deafness; PEPPER SYNDROME. Identifiers: Orphanet 193, MedGen C0265223, MONDO:0008999, OMIM 216550.

Submission:

Labcorp Genetics (formerly Invitae), Labcorp
Classification: Likely pathogenic for Cohen syndrome. Last evaluated: 2023-01-15. Review status: criteria provided, single submitter. Criteria: Invitae Variant Classification Sherloc (09022015). Collection method: clinical testing. Allele origin: germline.
Comment: This sequence change affects a donor splice site in intron 46 of the VPS13B gene. It is expected to disrupt RNA splicing. Variants that disrupt the donor or acceptor splice site typically lead to a loss of protein function (PMID: 16199547), and loss-of-function variants in VPS13B are known to be pathogenic (PMID: 15141358, 16648375, 20461111). This variant is not present in population databases (gnomAD no frequency). This variant has not been reported in the literature in individuals affected with VPS13B-related conditions. Algorithms developed to predict the effect of sequence changes on RNA splicing suggest that this variant may disrupt the consensus splice site. In summary, the currently available evidence indicates that the variant is pathogenic, but additional data are needed to prove that conclusively. Therefore, this variant has been classified as Likely Pathogenic.

Literature cited by the submitters: PubMed 16199547; PubMed 15141358; PubMed 16648375; PubMed 20461111.